The following is an entry in ClinVar:

NM_020184.4(CNNM4):c.253A>G (p.Asn85Asp)

Gene: CNNM4 (cyclin and CBS domain divalent metal cation transport mediator 4; plus strand). Cytogenetic location: 2q11.2.
Variant type: single nucleotide variant.
Coding change: c.253A>G on transcript NM_020184.4 (MANE Select); coding-DNA position 253, A replaced by G.
Protein change: p.Asn85Asp; replaces asparagine 85 with aspartic acid.
Molecular consequence: missense variant.
Genome position (GRCh38, 1-based): chr2:96,761,252, A>G. VCF-style: chr2-96761252-A-G. GRCh37 (hg19) VCF-style: chr2-97426989-A-G.
Other names: short protein forms N85D.
Identifiers: ClinVar variation 337580 (VCV000337580.9), dbSNP rs138690324, ClinGen allele CA1783180.

ClinVar aggregate classification (germline): Uncertain significance. Review status: criteria provided, multiple submitters, no conflicts (2 of 4 stars). 2 submissions from 2 submitters: Uncertain significance (2). Last evaluated 2022-08-22.

Conditions:
Jalili syndrome. Also called: CONE-ROD DYSTROPHY AND AMELOGENESIS IMPERFECTA. Identifiers: Orphanet 1873, MedGen C3495589, MONDO:0009007, OMIM 217080.

Allele frequency attached by ClinVar (database versions not stated): gnomAD 0.00029 and 0.00028; TOPMed 0.00075; ExAC 0.00003; ESP Exome Variant Server 0.00008; 1000 Genomes Project 30x 0.00062; gnomAD exomes 0.00003; 1000 Genomes Project 0.00080.
gnomAD v4.1: 77 of 1,614,110 alleles (0.0048%); highest among the groups gnomAD compares: Admixed American, 0.097%; 1 homozygote.

Submissions (2):

Labcorp Genetics (formerly Invitae), Labcorp
Classification: Uncertain significance. Last evaluated: 2022-08-22. Review status: criteria provided, single submitter. Criteria: Invitae Variant Classification Sherloc (09022015). Collection method: clinical testing. Allele origin: germline.
Comment: This sequence change replaces asparagine, which is neutral and polar, with aspartic acid, which is acidic and polar, at codon 85 of the CNNM4 protein (p.Asn85Asp). This variant is present in population databases (rs138690324, gnomAD 0.01%). This variant has not been reported in the literature in individuals affected with CNNM4-related conditions. ClinVar contains an entry for this variant (Variation ID: 337580). Algorithms developed to predict the effect of missense changes on protein structure and function output the following: SIFT: "Tolerated"; PolyPhen-2: "Benign"; Align-GVGD: "Class C0". The aspartic acid amino acid residue is found in multiple mammalian species, which suggests that this missense change does not adversely affect protein function. In summary, the available evidence is currently insufficient to determine the role of this variant in disease. Therefore, it has been classified as a Variant of Uncertain Significance.

Illumina Laboratory Services, Illumina
Classification: Uncertain significance for Jalili syndrome. Last evaluated: 2018-01-13. Review status: criteria provided, single submitter. Criteria: ICSL Variant Classification Criteria 13 December 2019. Collection method: clinical testing. Allele origin: germline.